The following is an entry in ClinVar:

NM_001267550.2(TTN):c.103859G>A (p.Arg34620His)

Genes: TTN (titin; minus strand), TTN-AS1 (TTN antisense RNA 1; plus strand). Cytogenetic location: 2q31.2.
Variant type: single nucleotide variant.
Coding change: c.103859G>A on transcript NM_001267550.2 (MANE Select); coding-DNA position 103859, G replaced by A.
Protein change: p.Arg34620His; replaces arginine 34620 with histidine.
Molecular consequence: missense variant.
Genome position (GRCh38, 1-based): chr2:178,532,756, C>T on the plus strand (G>A on the coding strand, the complement: TTN is on the minus strand). VCF-style: chr2-178532756-C-T. GRCh37 (hg19) VCF-style: chr2-179397483-C-T.
Other names: c.98936G>A, p.Arg32979His (NM_001256850.1); c.96155G>A, p.Arg32052His (NM_133378.4); c.76664G>A, p.Arg25555His (NM_003319.4); c.77039G>A, p.Arg25680His (NM_133432.3); c.77240G>A, p.Arg25747His (NM_133437.4); short protein forms R32052H, R34620H, R32979H, R25555H, R25680H, R25747H.
Identifiers: ClinVar variation 229567 (VCV000229567.9), dbSNP rs367927066, ClinGen allele CA1985533.

ClinVar aggregate classification (germline): Conflicting classifications of pathogenicity. Review status: criteria provided, conflicting classifications (1 of 4 stars). 3 submissions from 3 submitters: Uncertain significance (2); Likely benign (1). Last evaluated 2021-02-02.

Conditions:
Cardiomyopathy (CMYO). Also called: Cardiomyopathies. Identifiers: Orphanet 167848, MedGen C0878544, MONDO:0004994, HP:0001638. Inheritance: Various modes of inheritance.

Allele frequency attached by ClinVar (database versions not stated): gnomAD 0.00002 and 0.00004; gnomAD exomes 0.00004 and 0.00009; TOPMed 0.00004; ESP Exome Variant Server 0.00008; ExAC 0.00011.
gnomAD v4.1: 66 of 1,613,980 alleles (0.0041%); highest among the groups gnomAD compares: South Asian, 0.03%; 2 homozygotes.

Submissions (3):

GeneDx
Classification: Likely benign. Last evaluated: 2021-02-02. Review status: criteria provided, single submitter. Criteria: GeneDx Variant Classification Process June 2021. Collection method: clinical testing. Allele origin: germline. Affected: yes.

CHEO Genetics Diagnostic Laboratory, Children's Hospital of Eastern Ontario
Classification: Uncertain significance for Cardiomyopathy. Last evaluated: 2016-05-02. Review status: criteria provided, single submitter. Criteria: ACMG Guidelines, 2015. Collection method: clinical testing. Allele origin: germline. Study: Canadian Open Genetics Repository.

Laboratory for Molecular Medicine, Mass General Brigham Personalized Medicine
Classification: Uncertain significance. Last evaluated: 2015-04-16. Review status: criteria provided, single submitter. Criteria: LMM Criteria. Collection method: clinical testing. Allele origin: germline. Observed: 1 variant allele.
Comment: Variant classified as Uncertain Significance - Favor Benign. The p.Arg32052His v ariant in TTN has not been previously reported in individuals with cardiomyopath y, but been identified in 10/16510 South Asian chromosomes by the Exome Aggregat ion Consortium (ExAC; dbSNP rs367927066). Comput ational prediction tools and conservation analysis do not provide strong support for or against an impact to the protein, though 3 species (parrot, zebrafish, a nd cavefish) has a histidine (His) at this position, suggesting that this change may be tolerated. In summary, while the clinical significance of the p.Arg32052 His variant is uncertain, the presence of the variant amino acid is multiple oth er species suggests that it is more likely to be benign.